The following is an entry in ClinVar:

NM_016222.4(DDX41):c.485G>A (p.Arg162His)

Gene: DDX41 (DEAD-box helicase 41; minus strand). Cytogenetic location: 5q35.3.
Variant type: single nucleotide variant.
Coding change: c.485G>A on transcript NM_016222.4 (MANE Select); coding-DNA position 485, G replaced by A.
Protein change: p.Arg162His; replaces arginine 162 with histidine.
Molecular consequence: missense variant.
Genome position (GRCh38, 1-based): chr5:177,515,771, C>T on the plus strand (G>A on the coding strand, the complement: DDX41 is on the minus strand). VCF-style: chr5-177515771-C-T. GRCh37 (hg19) VCF-style: chr5-176942772-C-T.
Other names: c.107G>A, p.Arg36His (NM_001321732.2, NM_001321830.2); short protein forms R36H, R162H.
Identifiers: ClinVar variation 3838920 (VCV003838920.1).

ClinVar aggregate classification (germline): Uncertain significance (1 of 4 stars; one submission).

Conditions:
Inborn genetic diseases. Identifiers: MedGen C0950123, MeSH D030342.

gnomAD v4.1: 14 of 1,614,068 alleles (0.00087%); highest among the groups gnomAD compares: African/African-American, 0.0013%; no homozygotes.

Submission:

Ambry Genetics
Classification: Uncertain significance for Inborn genetic diseases. Last evaluated: 2025-01-22. Review status: criteria provided, single submitter. Criteria: Ambry Variant Classification Scheme 2023. Collection method: clinical testing. Allele origin: germline.
Comment: The p.R162H variant (also known as c.485G>A), located in coding exon 6 of the DDX41 gene, results from a G to A substitution at nucleotide position 485. The arginine at codon 162 is replaced by histidine, an amino acid with highly similar properties. This amino acid position is highly conserved in available vertebrate species. In addition, the in silico prediction for this alteration is inconclusive. Based on the available evidence, the clinical significance of this variant remains unclear.

Literature cited by the submitters: PubMed 37506341.